The following is an entry in ClinVar:

NM_001458.5(FLNC):c.3506A>G (p.Lys1169Arg)

Gene: FLNC (filamin C; plus strand). Cytogenetic location: 7q32.1.
Variant type: single nucleotide variant.
Coding change: c.3506A>G on transcript NM_001458.5 (MANE Select); coding-DNA position 3506, A replaced by G.
Protein change: p.Lys1169Arg; replaces lysine 1169 with arginine.
Molecular consequence: missense variant.
Genome position (GRCh38, 1-based): chr7:128,844,971, A>G. VCF-style: chr7-128844971-A-G. GRCh37 (hg19) VCF-style: chr7-128485025-A-G.
Other names: c.3506A>G, p.Lys1169Arg (NM_001127487.2); short protein forms K1169R.
Identifiers: ClinVar variation 290008 (VCV000290008.22), dbSNP rs530742766, ClinGen allele CA4475060.

ClinVar aggregate classification (germline): Benign/Likely benign. Review status: criteria provided, multiple submitters, no conflicts (2 of 4 stars). 8 submissions from 8 submitters: Benign (3); Likely benign (5). Last evaluated 2026-09-21.

Conditions:
Distal myopathy with posterior leg and anterior hand involvement. Also called: WILLIAMS DISTAL MYOPATHY. Identifiers: Orphanet 63273, MedGen C3279722, MONDO:0013550, OMIM 614065.
Hypertrophic cardiomyopathy 26. Also called: Cardiomyopathy, familial hypertrophic, 26. Identifiers: Orphanet 75249, MedGen C4310749, MONDO:0014883, OMIM 617047.
Myofibrillar myopathy 5. Also called: Filaminopathy (type); FILAMINOPATHY, AUTOSOMAL DOMINANT. Identifiers: Orphanet 171445, MedGen C1836050, MONDO:0012289, OMIM 609524.
Limb-girdle muscular dystrophy (LGMD). Also called: Muscular Dystrophies, Limb-Girdle. Identifiers: Orphanet 263, MedGen C0686353, MeSH D049288, MONDO:0016971, HP:0006785.
Cardiovascular phenotype. Identifiers: MedGen CN230736.

Allele frequency attached by ClinVar (database versions not stated): gnomAD 0.00001 and 0.00040; TOPMed 0.00005; 1000 Genomes Project 0.00260; 1000 Genomes Project 30x 0.00265.

Submissions (8):

Molecular Diagnostic Laboratory for Inherited Cardiovascular Disease, Montreal Heart Institute
Classification: Likely benign. Last evaluated: 2026-09-21. Review status: criteria provided, single submitter. Criteria: ACMG Guidelines, 2015. Collection method: clinical testing. Allele origin: germline. Affected: no.
Comment: BS1

Labcorp Genetics (formerly Invitae), Labcorp
Classification: Benign for Distal myopathy with posterior leg and anterior hand involvement; Myofibrillar myopathy 5; Hypertrophic cardiomyopathy 26. Last evaluated: 2026-01-14. Review status: criteria provided, single submitter. Criteria: Invitae Variant Classification Sherloc (09022015). Collection method: clinical testing. Allele origin: germline.

Women's Health and Genetics/Laboratory Corporation of America, LabCorp
Classification: Likely benign. Last evaluated: 2025-04-11. Review status: criteria provided, single submitter. Criteria: LabCorp Variant Classification Summary - May 2015. Collection method: clinical testing. Allele origin: germline.

Blueprint Genetics
Classification: Likely benign. Last evaluated: 2024-11-06. Review status: criteria provided, single submitter. Criteria: ACMG Guidelines, 2015. Collection method: clinical testing. Allele origin: germline.

Cambridge Genomics Laboratory, East Genomic Laboratory Hub, NHS Genomic Medicine Service
Classification: Likely benign for Limb-girdle muscular dystrophy. Last evaluated: 2020-04-29. Review status: criteria provided, single submitter. Criteria: ACGS Best Practice Guidelines for Variant Classification in Rare Disease 2020. Collection method: clinical testing. Allele origin: germline. Affected: yes. Observed: 1 variant allele.

Ambry Genetics
Classification: Likely benign for Cardiovascular phenotype. Last evaluated: 2020-03-11. Review status: criteria provided, single submitter. Criteria: Ambry Variant Classification Scheme 2023. Collection method: clinical testing. Allele origin: germline.

GeneDx
Classification: Benign. Last evaluated: 2016-08-08. Review status: criteria provided, single submitter. Criteria: GeneDx Variant Classification (06012015). Collection method: clinical testing. Allele origin: germline. Affected: yes.
Comment: This variant is considered likely benign or benign based on one or more of the following criteria: it is a conservative change, it occurs at a poorly conserved position in the protein, it is predicted to be benign by multiple in silico algorithms, and/or has population frequency not consistent with disease.

Eurofins Ntd Llc (ga)
Classification: Benign. Last evaluated: 2016-08-05. Review status: criteria provided, single submitter. Criteria: EGL Classification Definitions 2015. Collection method: clinical testing. Allele origin: germline. Observed: 2 variant alleles, 2 heterozygotes.